The following is an entry in ClinVar:

ClinVar aggregate classification (germline): Conflicting classifications of pathogenicity. Review status: criteria provided, conflicting classifications (1 of 4 stars). 4 submissions from 4 submitters: Uncertain significance (3); Likely benign (1). Last evaluated 2022-12-19.

Allele frequency attached by ClinVar (database versions not stated): gnomAD 0.00002; gnomAD exomes 0.00002 and 0.00007; TOPMed 0.00002; ExAC 0.00007.
gnomAD v4.1: 30 of 1,614,112 alleles (0.0019%); highest among the groups gnomAD compares: Admixed American, 0.03%; no homozygotes.

Submissions (4):

Women's Health and Genetics/Laboratory Corporation of America, LabCorp
Classification: Uncertain significance. Last evaluated: 2022-12-19. Review status: criteria provided, single submitter. Criteria: LabCorp Variant Classification Summary - May 2015. Collection method: clinical testing. Allele origin: germline.
Comment: Variant summary: TTN c.1450G>A (p.Asp484Asn) results in a conservative amino acid change located in the Z disk region of the encoded protein sequence. Four of five in-silico tools predict a benign effect of the variant on protein function. The variant allele was found at a frequency of 7.2e-05 in 251388 control chromosomes, predominantly at a frequency of 0.0004 within the Latino subpopulation in the gnomAD database. This frequency is not higher than predicted for a pathogenic variant in TTN causing Dilated Cardiomyopathy (7.2e-05 vs 0.00039), allowing no conclusion about variant significance. To our knowledge, no occurrence of c.1450G>A in individuals affected with Dilated Cardiomyopathy and no experimental evidence demonstrating its impact on protein function have been reported. Two clinical diagnostic laboratories have submitted clinical-significance assessments for this variant to ClinVar after 2014 and classified the variant as benign/likely benign, and one laboratory classified the variant as uncertain significance. Based on the evidence outlined above, the variant was classified as uncertain significance.

Revvity Omics, Revvity
Classification: Uncertain significance. Last evaluated: 2019-05-07. Review status: criteria provided, single submitter. Criteria: ACMG Guidelines, 2015. Collection method: clinical testing. Allele origin: germline.

Eurofins Ntd Llc (ga)
Classification: Uncertain significance. Last evaluated: 2018-01-11. Review status: criteria provided, single submitter. Criteria: EGL Classification Definitions 2015. Collection method: clinical testing. Allele origin: germline. Observed: 1 variant allele, 1 heterozygote.

GeneDx
Classification: Likely benign. Last evaluated: 2017-03-24. Review status: criteria provided, single submitter. Criteria: GeneDx Variant Classification (06012015). Collection method: clinical testing. Allele origin: germline. Affected: yes.
Comment: This variant is considered likely benign or benign based on one or more of the following criteria: it is a conservative change, it occurs at a poorly conserved position in the protein, it is predicted to be benign by multiple in silico algorithms, and/or has population frequency not consistent with disease.

NM_001267550.2(TTN):c.1450G>A (p.Asp484Asn)

Gene: TTN (titin; minus strand). Cytogenetic location: 2q31.2.
Variant type: single nucleotide variant.
Coding change: c.1450G>A on transcript NM_001267550.2 (MANE Select); coding-DNA position 1450, G replaced by A.
Protein change: p.Asp484Asn; replaces aspartic acid 484 with asparagine.
Molecular consequence: missense variant.
Genome position (GRCh38, 1-based): chr2:178,793,490, C>T on the plus strand (G>A on the coding strand, the complement: TTN is on the minus strand). VCF-style: chr2-178793490-C-T. GRCh37 (hg19) VCF-style: chr2-179658217-C-T.
Other names: c.1450G>A, p.Asp484Asn (NM_003319.4, NM_133378.4, NM_133379.5 and 3 more transcripts); short protein forms D484N.
Identifiers: ClinVar variation 508456 (VCV000508456.9), dbSNP rs768211726, ClinGen allele CA2006040.